The following is an entry in ClinVar:

ClinVar aggregate classification (germline): Benign (1 of 4 stars; one submission).

Conditions:
Congenital myasthenic syndrome 12 (CMS12). Also called: MYASTHENIC SYNDROME, CONGENITAL, WITH TUBULAR AGGREGATES 1; Myasthenia, congenital, 12, with tubular aggregates. Identifiers: Orphanet 353327, Orphanet 590, MedGen C3552335, MONDO:0012518, OMIM 610542.

Allele frequency attached by ClinVar (database versions not stated): TOPMed 0.02388; 1000 Genomes Project 0.02756; 1000 Genomes Project 30x 0.03154.

Submission:

Illumina Laboratory Services, Illumina
Classification: Benign for Congenital myasthenic syndrome 12. Last evaluated: 2018-01-12. Review status: criteria provided, single submitter. Criteria: ICSL Variant Classification Criteria 13 December 2019. Collection method: clinical testing. Allele origin: germline.
Comment: This variant was observed in the ICSL laboratory as part of a predisposition screen in an ostensibly healthy population. It had not been previously curated by ICSL or reported in the Human Gene Mutation Database (HGMD: prior to June 1st, 2018), and was therefore a candidate for classification through an automated scoring system. Utilizing variant allele frequency, disease prevalence and penetrance estimates, and inheritance mode, an automated score was calculated to assess if this variant is too frequent to cause the disease. Based on the score and internal cut-off values, a variant classified as benign is not then subjected to further curation. The score for this variant resulted in a classification of benign for this disease.

NM_001244710.2(GFPT1):c.*3345C>T

Gene: GFPT1 (glutamine--fructose-6-phosphate transaminase 1; minus strand). Cytogenetic location: 2p13.3.
Variant type: single nucleotide variant.
Coding change: c.*3345C>T on transcript NM_001244710.2 (MANE Select); 3345 bases downstream of the stop codon, C replaced by T.
Molecular consequence: 3 prime UTR variant.
Genome position (GRCh38, 1-based): chr2:69,322,844, G>A on the plus strand (C>T on the coding strand, the complement: GFPT1 is on the minus strand). VCF-style: chr2-69322844-G-A. GRCh37 (hg19) VCF-style: chr2-69549976-G-A.
Other names: c.*3345C>T (NM_002056.4).
Identifiers: ClinVar variation 336816 (VCV000336816.5), dbSNP rs73937245, ClinGen allele CA10614292.